The following is an entry in ClinVar:

NM_000500.9(CYP21A2):c.614G>A (p.Trp205Ter)

Genes: CYP21A2 (cytochrome P450 family 21 subfamily A member 2; plus strand), LOC106780800 (CYP21A2 recombination region; plus strand). Cytogenetic location: 6p21.33.
Variant type: single nucleotide variant.
Coding change: c.614G>A on transcript NM_000500.9 (MANE Select); coding-DNA position 614, G replaced by A.
Protein change: p.Trp205Ter; replaces tryptophan 205 with a stop codon.
Molecular consequence: nonsense.
Genome position (GRCh38, 1-based): chr6:32,039,610, G>A. VCF-style: chr6-32039610-G-A. GRCh37 (hg19) VCF-style: chr6-32007387-G-A.
Other names: c.524G>A, p.Trp175Ter (NM_001128590.4); c.209G>A, p.Trp70Ter (NM_001368143.2, NM_001368144.2); short protein forms W175*, W205*, W70*.
Identifiers: ClinVar variation 1705550 (VCV001705550.1), dbSNP rs1776123817, ClinGen allele CA363504011.
Genomic context (GRCh38, chr6:32,039,610, plus strand): 5'-ACAACTTAATGCCTGCCTATTACAAATGTATCCAGGAGGTGTTAAAAACCTGGAGCCACT[G>A]GTCCATCCAAATTGTGGACGTGATTCCCTTTCTCAGGGTGAGGACCTGGAGCCTAGACAC-3'

ClinVar aggregate classification (germline): Likely pathogenic (1 of 4 stars; one submission).

Conditions:
21-Hydroxylase-Deficient Congenital Adrenal Hyperplasia. Also called: ADRENAL HYPERPLASIA, CONGENITAL, DUE TO 21-HYDROXYLASE DEFICIENCY; ADRENAL HYPERPLASIA III. Identifiers: MedGen C2936858, OMIM 201910.

Submission:

3billion
Classification: Likely pathogenic for 21-Hydroxylase-Deficient Congenital Adrenal Hyperplasia. Last evaluated: 2022-09-01. Review status: criteria provided, single submitter. Criteria: ACMG Guidelines, 2015. Collection method: clinical testing. Allele origin: germline. Affected: yes. Observed: 1 homozygote.
Comment: The variant is not observed in the gnomAD v2.1.1 dataset. Stop-gained (nonsense) is predicted to result in a loss or disruption of normal protein function through nonsense-mediated decay (NMD) or protein truncation. Multiple pathogenic variants are reported downstream of the variant. Therefore, this variant is classified as Likely pathogenic according to the recommendation of ACMG/AMP guideline.